The following is an entry in ClinVar:

ClinVar aggregate classification (germline): Uncertain significance. Review status: criteria provided, multiple submitters, no conflicts (2 of 4 stars). 6 submissions from 5 submitters: Uncertain significance (5). 1 of the submissions does not count toward it. Last evaluated 2024-12-30.

Conditions:
POLD1-related disorder. Also called: POLD1-related condition; POLD1-related disorders.
POLD1-related polyposis and colorectal cancer syndrome (CRCS10). Also called: Colorectal cancer 10; COLORECTAL CANCER, SUSCEPTIBILITY TO, ON CHROMOSOME 19q; Colorectal cancer, susceptibility to, 10. Identifiers: Orphanet 220460, MedGen C2675481, MONDO:0012953, OMIM 612591.
Hereditary cancer-predisposing syndrome. Also called: Neoplastic Syndromes, Hereditary; Hereditary neoplastic syndrome; Tumor predisposition; Hereditary Cancer Syndrome. Identifiers: Orphanet 140162, MedGen C0027672, MeSH D009386, MONDO:0015356.
Mandibular hypoplasia-deafness-progeroid syndrome. Also called: Mandibular hypoplasia, deafness, progeroid features, and lipodystrophy syndrome. Identifiers: Orphanet 363649, MedGen C3715192, MONDO:0014157, OMIM 615381.

Submissions (6):

Labcorp Genetics (formerly Invitae), Labcorp
Classification: Uncertain significance for POLD1-related polyposis and colorectal cancer syndrome. Last evaluated: 2024-12-30. Review status: criteria provided, single submitter. Criteria: Invitae Variant Classification Sherloc (09022015). Collection method: clinical testing. Allele origin: germline.
Comment: This sequence change replaces arginine, which is basic and polar, with leucine, which is neutral and non-polar, at codon 352 of the POLD1 protein (p.Arg352Leu). This variant is not present in population databases (gnomAD no frequency). This variant has not been reported in the literature in individuals affected with POLD1-related conditions. ClinVar contains an entry for this variant (Variation ID: 469170). Invitae Evidence Modeling of protein sequence and biophysical properties (such as structural, functional, and spatial information, amino acid conservation, physicochemical variation, residue mobility, and thermodynamic stability) indicates that this missense variant is expected to disrupt POLD1 protein function with a positive predictive value of 80%. In summary, the available evidence is currently insufficient to determine the role of this variant in disease. Therefore, it has been classified as a Variant of Uncertain Significance.

Baylor Genetics
Classification: Uncertain significance for POLD1-related polyposis and colorectal cancer syndrome. Last evaluated: 2023-10-03. Review status: criteria provided, single submitter. Criteria: ACMG Guidelines, 2015. Collection method: clinical testing. Allele origin: unknown.

Ambry Genetics
Classification: Uncertain significance for Hereditary cancer-predisposing syndrome. Last evaluated: 2023-08-25. Review status: criteria provided, single submitter. Criteria: Ambry Variant Classification Scheme 2023. Collection method: clinical testing. Allele origin: germline.
Comment: The p.R352L variant (also known as c.1055G>T), located in coding exon 8 of the POLD1 gene, results from a G to T substitution at nucleotide position 1055. The arginine at codon 352 is replaced by leucine, an amino acid with dissimilar properties. This amino acid position is conserved. In addition, the in silico prediction for this alteration is inconclusive. Since supporting evidence is limited at this time, the clinical significance of this alteration remains unclear.

GeneDx
Classification: Uncertain significance. Last evaluated: 2022-11-06. Review status: criteria provided, single submitter. Criteria: GeneDx Variant Classification Process June 2021. Collection method: clinical testing. Allele origin: germline. Affected: yes.
Comment: Not observed at significant frequency in large population cohorts (gnomAD); In silico analysis supports that this missense variant has a deleterious effect on protein structure/function; Has not been previously published as pathogenic or benign to our knowledge; This variant is associated with the following publications: (PMID: 20951805, 31034466)

Baylor Genetics
Classification: Uncertain significance for Mandibular hypoplasia-deafness-progeroid syndrome. Last evaluated: 2019-04-17. Review status: criteria provided, single submitter. Criteria: ACMG Guidelines, 2015. Collection method: clinical testing. Allele origin: maternal. Affected: yes. Study: CSER-TexasKidsCanSeq.
Comment: This variant was determined to be of uncertain significance according to ACMG Guidelines, 2015 [PMID:25741868].

PreventionGenetics, part of Exact Sciences
Classification: Uncertain significance for POLD1-related condition. Last evaluated: 2024-03-18. Review status: no assertion criteria provided. Collection method: clinical testing. Allele origin: germline. Not counted in ClinVar's aggregate classification.
Comment: The POLD1 c.1055G>T variant is predicted to result in the amino acid substitution p.Arg352Leu. To our knowledge, this variant has not been reported in the literature or in a large population database, indicating this variant is rare. In ClinVar, this variant has been interpreted as uncertain. At this time, the clinical significance of this variant is uncertain due to the absence of conclusive functional and genetic evidence.

NM_002691.4(POLD1):c.1055G>T (p.Arg352Leu)

Gene: POLD1 (DNA polymerase delta 1, catalytic subunit; plus strand). Cytogenetic location: 19q13.33.
Variant type: single nucleotide variant.
Coding change: c.1055G>T on transcript NM_002691.4 (MANE Select); coding-DNA position 1055, G replaced by T.
Protein change: p.Arg352Leu; replaces arginine 352 with leucine.
Molecular consequence: missense variant. On other transcripts: non-coding transcript variant (1).
Genome position (GRCh38, 1-based): chr19:50,403,137, G>T. VCF-style: chr19-50403137-G-T. GRCh37 (hg19) VCF-style: chr19-50906394-G-T.
Other names: c.1055G>T, p.Arg352Leu (NM_001256849.1, NM_001308632.1); c.1055G>T (NM_002691.2); short protein forms R352L.
Identifiers: ClinVar variation 469170 (VCV000469170.14), dbSNP rs556862476, ClinGen allele CA406978188.